The following is an entry in ClinVar:

ClinVar aggregate classification (germline): Likely benign (0 of 4 stars; one submission).

Conditions:
AGBL1-related disorder. Also called: AGBL1-related condition.

gnomAD v4.1: 9 of 1,587,654 alleles (0.00057%); highest among the groups gnomAD compares: African/African-American, 0.0067%; no homozygotes.

Submission:

PreventionGenetics, part of Exact Sciences
Classification: Likely benign for AGBL1-related condition. Last evaluated: 2019-03-20. Review status: no assertion criteria provided. Collection method: clinical testing. Allele origin: germline.
Comment: This variant is classified as likely benign based on ACMG/AMP sequence variant interpretation guidelines (Richards et al. 2015 PMID: 25741868, with internal and published modifications).

NM_001386094.1(AGBL1):c.2904G>T (p.Thr968=)

Gene: AGBL1 (AGBL carboxypeptidase 1; plus strand). Cytogenetic location: 15q25.3.
Variant type: single nucleotide variant.
Coding change: c.2904G>T on transcript NM_001386094.1 (MANE Select); coding-DNA position 2904, G replaced by T.
Protein change: p.Thr968=; no amino-acid change (threonine 968 retained).
Molecular consequence: synonymous variant.
Genome position (GRCh38, 1-based): chr15:86,554,447, G>T. VCF-style: chr15-86554447-G-T. GRCh37 (hg19) VCF-style: chr15-87097678-G-T.
Other names: c.2904G>T, p.Thr968= (NM_152336.4).
Identifiers: ClinVar variation 3352780 (VCV003352780.1).
Genomic context (GRCh38, chr15:86,554,447, plus strand): 5'-AGCACCAGCATTCACAATGAGCAGCTGCAGCTTTCTCGTGGAGAAATCTCGAGCTTCCAC[G>T]GCCCGGGTGGTGGTGTGGAGAGAGATGGGGGTGTCCAGAAGCTACACCATGGAAAGCAGC-3'
Protein context (NP_001373023.1, residues 958-978): SFLVEKSRAS[Thr968=]ARVVVWREMG